The following is an entry in ClinVar:

ClinVar aggregate classification (germline): Likely benign (1 of 4 stars; one submission).

Conditions:
Juvenile polyposis syndrome (JPS). Identifiers: Orphanet 2929, MedGen C0345893, MONDO:0017380, OMIM 174900.

Submission:

Myriad Genetics, Inc.
Classification: Likely benign for Juvenile polyposis syndrome. Last evaluated: 2024-08-01. Review status: criteria provided, single submitter. Criteria: Myriad Autosomal Dominant, Autosomal Recessive and X-Linked Classification Criteria (2023). Collection method: clinical testing. Allele origin: unknown.
Comment: This variant is considered likely benign. This variant is intronic and is not expected to impact mRNA splicing.

NM_004329.3(BMPR1A):c.531-6dup

Gene: BMPR1A (bone morphogenetic protein receptor type 1A; plus strand). Cytogenetic location: 10q23.2.
Variant type: Duplication.
Coding change: c.531-6dup on transcript NM_004329.3 (MANE Select); 6 bases into the intron before coding-DNA position 531, one base duplicated (T; older notation c.531-6dupT).
Molecular consequence: intron variant.
Genome position (GRCh38, 1-based): chr10:86,912,234, T duplicated; the last of 6 consecutive T bases (chr10:86,912,229-86,912,234); duplicating any one gives the same sequence. VCF-style (leftmost placement, unchanged base first): chr10-86912228-C-CT. GRCh37 (hg19) VCF-style: chr10-88671985-C-CT.
Other names: c.531-6dup (NM_001406562.1, NM_001406568.1, NM_001406567.1 and 20 more transcripts); c.447-6dup (NM_001406584.1, NM_001406588.1, NM_001406587.1 and 2 more transcripts); c.579-6dup (NM_001406560.1); c.606-6dup (NM_001406559.1); c.334-4900dup (NM_001406589.1).
Identifiers: ClinVar variation 3378851 (VCV003378851.1).